The following is an entry in ClinVar:

ClinVar aggregate classification (germline): Uncertain significance. Review status: criteria provided, multiple submitters, no conflicts (2 of 4 stars). 2 submissions from 2 submitters: Uncertain significance (2). Last evaluated 2024-05-02.

Conditions:
Hereditary spastic paraplegia 49 (HSAN9). Also called: NEUROPATHY, HEREDITARY SENSORY AND AUTONOMIC, TYPE IX, WITH DEVELOPMENTAL DELAY; Spastic paraplegia 49, autosomal recessive; TECPR2-Related Hereditary Sensory and Autonomic Neuropathy with Intellectual Disability. Identifiers: Orphanet 320385, MedGen C5190860, MONDO:0014016, OMIM 615031.
Inborn genetic diseases. Identifiers: MedGen C0950123, MeSH D030342.

Allele frequency attached by ClinVar (database versions not stated): ExAC 0.00001; gnomAD exomes 0.00001; ESP Exome Variant Server 0.00008; TOPMed 0.00010; gnomAD 0.00012.
gnomAD v4.1: 24 of 1,613,620 alleles (0.0015%); highest among the groups gnomAD compares: Admixed American, 0.02%; no homozygotes.

Submissions (2):

Ambry Genetics
Classification: Uncertain significance for Inborn genetic diseases. Last evaluated: 2024-05-02. Review status: criteria provided, single submitter. Criteria: Ambry Variant Classification Scheme 2023. Collection method: clinical testing. Allele origin: germline.

Labcorp Genetics (formerly Invitae), Labcorp
Classification: Uncertain significance for Hereditary spastic paraplegia 49. Last evaluated: 2022-05-07. Review status: criteria provided, single submitter. Criteria: Invitae Variant Classification Sherloc (09022015). Collection method: clinical testing. Allele origin: germline.
Comment: This sequence change replaces isoleucine, which is neutral and non-polar, with valine, which is neutral and non-polar, at codon 633 of the TECPR2 protein (p.Ile633Val). This variant is present in population databases (rs371197871, gnomAD 0.01%). This variant has not been reported in the literature in individuals affected with TECPR2-related conditions. Algorithms developed to predict the effect of missense changes on protein structure and function (SIFT, PolyPhen-2, Align-GVGD) all suggest that this variant is likely to be tolerated. In summary, the available evidence is currently insufficient to determine the role of this variant in disease. Therefore, it has been classified as a Variant of Uncertain Significance.

NM_014844.5(TECPR2):c.1897A>G (p.Ile633Val)

Gene: TECPR2 (tectonin beta-propeller repeat containing 2; plus strand). Cytogenetic location: 14q32.31.
Variant type: single nucleotide variant.
Coding change: c.1897A>G on transcript NM_014844.5 (MANE Select); coding-DNA position 1897, A replaced by G.
Protein change: p.Ile633Val; replaces isoleucine 633 with valine.
Molecular consequence: missense variant.
Genome position (GRCh38, 1-based): chr14:102,434,714, A>G. VCF-style: chr14-102434714-A-G. GRCh37 (hg19) VCF-style: chr14-102901051-A-G.
Other names: c.1897A>G (NM_014844.3); c.1897A>G, p.Ile633Val (NM_001172631.3); short protein forms I633V.
Identifiers: ClinVar variation 2198136 (VCV002198136.2), dbSNP rs371197871, ClinGen allele CA7357810.
Genomic context (GRCh38, chr14:102,434,714, plus strand): 5'-TTACCCTTCCAAGAACAGGACAGCTCTCCTGGGGCGCATGATGGGGAAGACATCCAACCC[A>G]TTGGCCCCCAAAGCACTTTTTGTGAAGTCCCCCTCCTGAACTCACTCACTGTGCCTTCCA-3'
Protein context (NP_055659.2, residues 623-643): GAHDGEDIQP[Ile633Val]GPQSTFCEVP